The following is an entry in ClinVar:

NM_021098.3(CACNA1H):c.3343C>G (p.Leu1115Val)

Gene: CACNA1H (calcium voltage-gated channel subunit alpha1 H; plus strand). Cytogenetic location: 16p13.3.
Variant type: single nucleotide variant.
Coding change: c.3343C>G on transcript NM_021098.3 (MANE Select); coding-DNA position 3343, C replaced by G.
Protein change: p.Leu1115Val; replaces leucine 1115 with valine.
Molecular consequence: missense variant.
Genome position (GRCh38, 1-based): chr16:1,208,201, C>G. VCF-style: chr16-1208201-C-G. GRCh37 (hg19) VCF-style: chr16-1258201-C-G.
Other names: c.3343C>G, p.Leu1115Val (NM_001005407.2); short protein forms L1115V.
Identifiers: ClinVar variation 1711886 (VCV001711886.2), dbSNP rs1367408493, ClinGen allele CA394172386.

ClinVar aggregate classification (germline): Uncertain significance (1 of 4 stars; one submission).

Submission:

GeneDx
Classification: Uncertain significance. Last evaluated: 2022-04-22. Review status: criteria provided, single submitter. Criteria: GeneDx Variant Classification Process June 2021. Collection method: clinical testing. Allele origin: germline. Affected: yes.
Comment: Not observed at significant frequency in large population cohorts (gnomAD); In silico analysis supports that this missense variant does not alter protein structure/function; Has not been previously published as pathogenic or benign to our knowledge